The following is an entry in ClinVar:

ClinVar aggregate classification (germline): Uncertain significance (1 of 4 stars; one submission).

Allele frequency attached by ClinVar (database versions not stated): gnomAD exomes below 0.00001; gnomAD 0.00001; TOPMed 0.00001; ExAC 0.00002; 1000 Genomes Project 30x 0.00016; 1000 Genomes Project 0.00020.
gnomAD v4.1: 7 of 1,614,128 alleles (0.00043%); highest among the groups gnomAD compares: African/African-American, 0.0013%; no homozygotes.

Submission:

Labcorp Genetics (formerly Invitae), Labcorp
Classification: Uncertain significance. Last evaluated: 2025-11-19. Review status: criteria provided, single submitter. Criteria: Invitae Variant Classification Sherloc (09022015). Collection method: clinical testing. Allele origin: germline.
Comment: This sequence change replaces proline, which is neutral and non-polar, with leucine, which is neutral and non-polar, at codon 1236 of the NALCN protein (p.Pro1236Leu). This variant is present in population databases (rs557374323, gnomAD 0.01%). This variant has not been reported in the literature in individuals affected with NALCN-related conditions. ClinVar contains an entry for this variant (Variation ID: 1929927). Invitae Evidence Modeling of protein sequence and biophysical properties (such as structural, functional, and spatial information, amino acid conservation, physicochemical variation, residue mobility, and thermodynamic stability) indicates that this missense variant is not expected to disrupt NALCN protein function with a negative predictive value of 80%. In summary, the available evidence is currently insufficient to determine the role of this variant in disease. Therefore, it has been classified as a Variant of Uncertain Significance.

NM_052867.4(NALCN):c.3707C>T (p.Pro1236Leu)

Gene: NALCN (sodium leak channel, non-selective; minus strand). Cytogenetic location: 13q32.3.
Variant type: single nucleotide variant.
Coding change: c.3707C>T on transcript NM_052867.4 (MANE Select); coding-DNA position 3707, C replaced by T.
Protein change: p.Pro1236Leu; replaces proline 1236 with leucine.
Molecular consequence: missense variant.
Genome position (GRCh38, 1-based): chr13:101,082,867, G>A on the plus strand (C>T on the coding strand, the complement: NALCN is on the minus strand). VCF-style: chr13-101082867-G-A. GRCh37 (hg19) VCF-style: chr13-101735218-G-A.
Other names: c.3794C>T, p.Pro1265Leu (NM_001350748.2); c.3707C>T, p.Pro1236Leu (NM_001350749.2); c.3620C>T, p.Pro1207Leu (NM_001350750.2, NM_001350751.2); short protein forms P1207L, P1236L, P1265L.
Identifiers: ClinVar variation 1929927 (VCV001929927.5), dbSNP rs557374323, ClinGen allele CA7035319.